The following is an entry in ClinVar:

ClinVar aggregate classification (germline): Pathogenic (1 of 4 stars; one submission).

Submission:

Labcorp Genetics (formerly Invitae), Labcorp
Classification: Pathogenic. Last evaluated: 2021-11-23. Review status: criteria provided, single submitter. Criteria: Invitae Variant Classification Sherloc (09022015). Collection method: clinical testing. Allele origin: germline.
Comment: For these reasons, this variant has been classified as Pathogenic. This variant has not been reported in the literature in individuals affected with SPTB-related conditions. This variant is not present in population databases (gnomAD no frequency). This sequence change creates a premature translational stop signal (p.Asp504Thrfs*69) in the SPTB gene. It is expected to result in an absent or disrupted protein product. Loss-of-function variants in SPTB are known to be pathogenic (PMID: 8844207, 26830532, 27292444).

Literature cited by the submitters: PubMed 8844207; PubMed 26830532; PubMed 27292444.

NM_001355436.2(SPTB):c.1510del (p.Asp504fs)

Gene: SPTB (spectrin beta, erythrocytic; minus strand). Cytogenetic location: 14q23.3.
Variant type: Deletion.
Coding change: c.1510del on transcript NM_001355436.2 (MANE Select); coding-DNA position 1510, one base deleted (G; older notation c.1510delG).
Protein change: p.Asp504fs; shifts the reading frame from aspartic acid 504.
Molecular consequence: frameshift variant.
Genome position (GRCh38, 1-based): chr14:64,795,471, C deleted on the plus strand (G on the coding strand, the reverse complement: SPTB is on the minus strand); the first of 2 consecutive C bases (chr14:64,795,471-64,795,472); deleting either gives the same sequence. VCF-style (leftmost placement, unchanged base first): chr14-64795470-TC-T. GRCh37 (hg19) VCF-style: chr14-65262188-TC-T.
Other names: c.1510del, p.Asp504fs (NM_001024858.4, NM_001355437.2); short protein forms D504fs.
Identifiers: ClinVar variation 1433577 (VCV001433577.6), dbSNP rs2139602589, ClinGen allele CA2573150036.
Genomic context (GRCh38, chr14:64,795,470, plus strand): 5'-AGCCTCTGGCGCCGGGACTGCAGCAGCTCCTGCAGGTAGCTCCATAGGCGCAGTATATTG[TC>T]CTTGCGGGCCGTGATGCGCTTCTGGTCATGGTAGTTCTCTTTCTCCAGCTCCTGAGCCAG-3'